The following is an entry in ClinVar:

NM_015046.7(SETX):c.6546+17C>G

Gene: SETX (senataxin; minus strand). Cytogenetic location: 9q34.13.
Variant type: single nucleotide variant.
Coding change: c.6546+17C>G on transcript NM_015046.7 (MANE Select); 17 bases into the intron after coding-DNA position 6546, C replaced by G.
Molecular consequence: intron variant.
Genome position (GRCh38, 1-based): chr9:132,283,247, G>C on the plus strand (C>G on the coding strand, the complement: SETX is on the minus strand). VCF-style: chr9-132283247-G-C. GRCh37 (hg19) VCF-style: chr9-135158634-G-C.
Other names: c.6546+17C>G (NM_001351528.2, NM_001351527.2).
Identifiers: ClinVar variation 3911928 (VCV003911928.3).

ClinVar aggregate classification (germline): Likely benign. Review status: criteria provided, multiple submitters, no conflicts (2 of 4 stars). 2 submissions from 2 submitters: Likely benign (2). Last evaluated 2025-07-03.

gnomAD v4.1: 40 of 1,613,912 alleles (0.0025%); highest among the groups gnomAD compares: Middle Eastern, 0.44%; no homozygotes.

Submissions (2):

Women's Health and Genetics/Laboratory Corporation of America, LabCorp
Classification: Likely benign. Last evaluated: 2025-07-03. Review status: criteria provided, single submitter. Criteria: LabCorp Variant Classification Summary - May 2015. Collection method: clinical testing. Allele origin: germline.
Comment: Variant summary: SETX c.6546+17C>G alters a non-conserved nucleotide located at a position not widely known to affect splicing. Consensus agreement among computation tools predict no significant impact on normal splicing. However, these predictions have yet to be confirmed by functional studies. The variant allele was found at a frequency of 1.2e-05 in 251422 control chromosomes. The available data on variant occurrences in the general population are insufficient to allow any conclusion about variant significance. To our knowledge, no occurrence of c.6546+17C>G in individuals affected with Spinocerebellar ataxia, autosomal recessive, with axonal neuropathy 2 and no experimental evidence demonstrating its impact on protein function have been reported. No submitters have cited clinical-significance assessments for this variant to ClinVar. Based on the evidence outlined above, the variant was classified as likely benign.

Blueprint Genetics
Classification: Likely benign. Last evaluated: 2024-10-25. Review status: criteria provided, single submitter. Criteria: ACMG Guidelines, 2015. Collection method: clinical testing. Allele origin: germline.